The following is an entry in ClinVar:

NM_024996.7(GFM1):c.-73C>T

Gene: GFM1 (G elongation factor mitochondrial 1; plus strand). Cytogenetic location: 3q25.32.
Variant type: single nucleotide variant.
Coding change: c.-73C>T on transcript NM_024996.7 (MANE Select); 73 bases upstream of the start codon, C replaced by T.
Molecular consequence: 5 prime UTR variant. On other transcripts: non-coding transcript variant (4).
Genome position (GRCh38, 1-based): chr3:158,644,562, C>T. VCF-style: chr3-158644562-C-T. GRCh37 (hg19) VCF-style: chr3-158362351-C-T.
Other names: c.-73C>T (NM_001308164.2, NM_001308166.2, NM_001374355.1 and 2 more transcripts); c.-464C>T (NM_001374357.1); c.-302C>T (NM_001374359.1, NM_001374360.1, NM_001374361.1).
Identifiers: ClinVar variation 343917 (VCV000343917.6), dbSNP rs116614958, ClinGen allele CA10617804.
Genomic context (GRCh38, chr3:158,644,562, plus strand): 5'-TCCTCGCGTCCTTTGCCCCGGAAGTGCTCTTACAACATTGGCTGCCGGCGTGACTTTGAC[C>T]GCTTCCCGGTGCGTTACCGGCAGCTGAACCCACCCGGCGCCACGGGACTTTGACGCGTGC-3'

ClinVar aggregate classification (germline): Likely benign. Review status: criteria provided, multiple submitters, no conflicts (2 of 4 stars). 2 submissions from 2 submitters: Likely benign (2). Last evaluated 2017-04-27.

Conditions:
Hepatoencephalopathy due to combined oxidative phosphorylation defect type 1. Also called: HEPATOENCEPHALOPATHY, EARLY FATAL PROGRESSIVE. Identifiers: Orphanet 137681, MedGen C1836797, MONDO:0012191, OMIM 609060.

Allele frequency attached by ClinVar (database versions not stated): TOPMed 0.01308; 1000 Genomes Project 0.01398; 1000 Genomes Project 30x 0.01468.
gnomAD v4.1: 3,588 of 1,280,288 alleles (0.28%); highest among the groups gnomAD compares: African/African-American, 4.4%; 80 homozygotes.

Submissions (2):

Illumina Laboratory Services, Illumina
Classification: Likely benign for Hepatoencephalopathy due to combined oxidative phosphorylation defect type 1. Last evaluated: 2017-04-27. Review status: criteria provided, single submitter. Criteria: ICSL Variant Classification Criteria 13 December 2019. Collection method: clinical testing. Allele origin: germline.
Comment: This variant was observed as part of a predisposition screen in an ostensibly healthy population. A literature search was performed for the gene, cDNA change, and amino acid change (where applicable). No publications were found based on this search. Allele frequency data from public databases allowed determination this variant is unlikely to cause disease. Therefore, this variant is classified as likely benign.

Breakthrough Genomics
Classification: Likely benign. Review status: criteria provided, single submitter. Criteria: ACMG Guidelines, 2015. Collection method: not provided. Allele origin: germline. Inheritance: Autosomal recessive inheritance. Affected: yes.